The following is an entry in ClinVar:

NM_000807.4(GABRA2):c.1345G>A (p.Val449Ile)

Gene: GABRA2 (gamma-aminobutyric acid type A receptor subunit alpha2; minus strand). Cytogenetic location: 4p12.
Variant type: single nucleotide variant.
Coding change: c.1345G>A on transcript NM_000807.4 (MANE Select); coding-DNA position 1345, G replaced by A.
Protein change: p.Val449Ile; replaces valine 449 with isoleucine.
Molecular consequence: missense variant.
Genome position (GRCh38, 1-based): chr4:46,250,319, C>T on the plus strand (G>A on the coding strand, the complement: GABRA2 is on the minus strand). VCF-style: chr4-46250319-C-T. GRCh37 (hg19) VCF-style: chr4-46252336-C-T.
Other names: c.1345G>A, p.Val449Ile (NM_001114175.3, NM_001377146.1, NM_001377147.1 and 4 more transcripts); c.1360G>A, p.Val454Ile (NM_001286827.3); c.1525G>A, p.Val509Ile (NM_001330690.2, NM_001377144.1, NM_001377145.1); c.1180G>A, p.Val394Ile (NM_001377152.1, NM_001377153.1, NM_001377154.1); short protein forms V454I, V509I, V394I, V449I.
Identifiers: ClinVar variation 3695859 (VCV003695859.2).
Genomic context (GRCh38, chr4:46,250,319, plus strand): 5'-AACCAAATTTAATGTTGCTATACATCCCAAAGATAACATGGGTCTCAATTCAAGGACTGA[C>T]CCCTAATACAGGTTCTCTGTTTAAATATGTAGCCCAGTAAACTAAATTAAAGGTACCAAA-3'
Protein context (NP_000798.2, residues 439-451): TYLNREPVLG[Val449Ile]SP

ClinVar aggregate classification (germline): Uncertain significance (1 of 4 stars; one submission).

gnomAD v4.1: 50 of 1,609,884 alleles (0.0031%); highest among the groups gnomAD compares: Non-Finnish European, 0.0041%; no homozygotes.

Submission:

Labcorp Genetics (formerly Invitae), Labcorp
Classification: Uncertain significance. Last evaluated: 2024-05-23. Review status: criteria provided, single submitter. Criteria: Invitae Variant Classification Sherloc (09022015). Collection method: clinical testing. Allele origin: germline.
Comment: This sequence change replaces valine, which is neutral and non-polar, with isoleucine, which is neutral and non-polar, at codon 509 of the GABRA2 protein (p.Val509Ile). This variant is present in population databases (no rsID available, gnomAD 0.0008%). This variant has not been reported in the literature in individuals affected with GABRA2-related conditions. Experimental studies and prediction algorithms are not available or were not evaluated, and the functional significance of this variant is currently unknown. In summary, the available evidence is currently insufficient to determine the role of this variant in disease. Therefore, it has been classified as a Variant of Uncertain Significance.